The following is an entry in ClinVar:

ClinVar aggregate classification (germline): Pathogenic (1 of 4 stars; one submission).

Submission:

Labcorp Genetics (formerly Invitae), Labcorp
Classification: Pathogenic. Last evaluated: 2023-05-19. Review status: criteria provided, single submitter. Criteria: Invitae Variant Classification Sherloc (09022015). Collection method: clinical testing. Allele origin: germline.
Comment: This sequence change creates a premature translational stop signal (p.Ala273Glnfs*5) in the CYP27B1 gene. It is expected to result in an absent or disrupted protein product. Loss-of-function variants in CYP27B1 are known to be pathogenic (PMID: 9837822, 17488797). This variant is not present in population databases (gnomAD no frequency). This variant has not been reported in the literature in individuals affected with CYP27B1-related conditions. For these reasons, this variant has been classified as Pathogenic.

Literature cited by the submitters: PubMed 9837822; PubMed 17488797.

NM_000785.4(CYP27B1):c.817del (p.Ala273fs)

Gene: CYP27B1 (cytochrome P450 family 27 subfamily B member 1; minus strand). Cytogenetic location: 12q14.1.
Variant type: Deletion.
Coding change: c.817del on transcript NM_000785.4 (MANE Select); coding-DNA position 817, one base deleted (G; older notation c.817delG).
Protein change: p.Ala273fs; shifts the reading frame from alanine 273.
Molecular consequence: frameshift variant.
Genome position (GRCh38, 1-based): chr12:57,764,900, C deleted on the plus strand (G on the coding strand, the reverse complement: CYP27B1 is on the minus strand); the first of 2 consecutive C bases (chr12:57,764,900-57,764,901); deleting either gives the same sequence. VCF-style (leftmost placement, unchanged base first): chr12-57764899-GC-G. GRCh37 (hg19) VCF-style: chr12-58158682-GC-G.
Other names: short protein forms A273fs.
Identifiers: ClinVar variation 2865776 (VCV002865776.3), dbSNP rs2540916709, ClinGen allele CA2575206588.